The following is an entry in ClinVar:

ClinVar aggregate classification (germline): Benign/Likely benign. Review status: criteria provided, multiple submitters, no conflicts (2 of 4 stars). 5 submissions from 5 submitters: Benign (3); Likely benign (1). 1 of the submissions does not count toward it. Last evaluated 2026-02-01.

Conditions:
FRAS1-related disorder. Also called: FRAS1-related condition.

Allele frequency attached by ClinVar (database versions not stated): gnomAD 0.00889 and 0.00945; TOPMed 0.00932; ESP Exome Variant Server 0.00949; 1000 Genomes Project 0.00958; 1000 Genomes Project 30x 0.00999.
gnomAD v4.1: 2,615 of 1,613,656 alleles (0.16%); highest among the groups gnomAD compares: African/African-American, 3.1%; 43 homozygotes.

Submissions (5):

Labcorp Genetics (formerly Invitae), Labcorp
Classification: Benign. Last evaluated: 2026-02-01. Review status: criteria provided, single submitter. Criteria: Invitae Variant Classification Sherloc (09022015). Collection method: clinical testing. Allele origin: germline.

Genomic Medicine Center of Excellence, King Faisal Specialist Hospital and Research Centre
Classification: Likely benign. Last evaluated: 2025-08-18. Review status: criteria provided, single submitter. Criteria: ACMG Guidelines, 2015. Collection method: clinical testing. Allele origin: germline.

Mayo Clinic Laboratories, Mayo Clinic
Classification: Benign. Last evaluated: 2024-09-18. Review status: criteria provided, single submitter. Criteria: ACMG Guidelines, 2015. Collection method: clinical testing. Allele origin: germline. Observed: 1 variant allele.
Comment: BS1, BS2, BP4

Breakthrough Genomics
Classification: Benign. Review status: criteria provided, single submitter. Criteria: ACMG Guidelines, 2015. Collection method: not provided. Allele origin: germline. Inheritance: Autosomal recessive inheritance. Affected: yes.

PreventionGenetics, part of Exact Sciences
Classification: Benign for FRAS1-related condition. Last evaluated: 2021-11-02. Review status: no assertion criteria provided. Collection method: clinical testing. Allele origin: germline. Not counted in ClinVar's aggregate classification.
Comment: This variant is classified as benign based on ACMG/AMP sequence variant interpretation guidelines (Richards et al. 2015 PMID: 25741868, with internal and published modifications).

Literature cited by the submitters: PubMed 31308072 (cited by Mayo Clinic Laboratories, Mayo Clinic).

NM_025074.7(FRAS1):c.11855T>C (p.Val3952Ala)

Gene: FRAS1 (Fraser extracellular matrix complex subunit 1; plus strand). Cytogenetic location: 4q21.21.
Variant type: single nucleotide variant.
Coding change: c.11855T>C on transcript NM_025074.7 (MANE Select); coding-DNA position 11855, T replaced by C.
Protein change: p.Val3952Ala; replaces valine 3952 with alanine.
Molecular consequence: missense variant.
Genome position (GRCh38, 1-based): chr4:78,540,940, T>C. VCF-style: chr4-78540940-T-C. GRCh37 (hg19) VCF-style: chr4-79462094-T-C.
Other names: p.Val3952Ala; short protein forms V3952A.
Identifiers: ClinVar variation 702996 (VCV000702996.16), dbSNP rs35379534, ClinGen allele CA2979312.